The following is an entry in ClinVar:

ClinVar aggregate classification (germline): Uncertain significance. Review status: criteria provided, multiple submitters, no conflicts (2 of 4 stars). 4 submissions from 4 submitters: Uncertain significance (4). Last evaluated 2026-06-26.

Conditions:
TUB-related disorder. Also called: TUB-related condition.

Allele frequency attached by ClinVar (database versions not stated): gnomAD exomes 0.00005 and 0.00006; ExAC 0.00007; gnomAD 0.00008 and 0.00010; TOPMed 0.00009; ESP Exome Variant Server 0.00015.
gnomAD v4.1: 90 of 1,614,000 alleles (0.0056%); highest among the groups gnomAD compares: Admixed American, 0.01%; no homozygotes.

Submissions (4):

PreventionGenetics, part of Exact Sciences
Classification: Uncertain significance for TUB-related condition. Last evaluated: 2026-06-26. Review status: criteria provided, single submitter. Criteria: ACMG Guidelines, 2015. Collection method: clinical testing. Allele origin: germline.
Comment: The TUB c.1504G>A variant is predicted to result in the amino acid substitution p.Val502Ile. To our knowledge, this variant has not been reported in the literature in the germline context. This variant is reported in 0.016% of alleles in individuals of European (Finnish) descent in gnomAD. At this time, the clinical significance of this variant is uncertain due to the absence of conclusive functional and genetic evidence.

GeneDx
Classification: Uncertain significance. Last evaluated: 2025-03-20. Review status: criteria provided, single submitter. Criteria: GeneDx Variant Classification Process June 2021. Collection method: clinical testing. Allele origin: germline. Affected: yes.
Comment: Has not been previously published as pathogenic or benign to our knowledge; In silico analysis indicates that this missense variant does not alter protein structure/function

Blueprint Genetics
Classification: Uncertain significance. Last evaluated: 2022-11-30. Review status: criteria provided, single submitter. Criteria: ACMG Guidelines, 2015. Collection method: clinical testing. Allele origin: germline.

Labcorp Genetics (formerly Invitae), Labcorp
Classification: Uncertain significance. Last evaluated: 2022-08-07. Review status: criteria provided, single submitter. Criteria: Invitae Variant Classification Sherloc (09022015). Collection method: clinical testing. Allele origin: germline.
Comment: This sequence change replaces valine, which is neutral and non-polar, with isoleucine, which is neutral and non-polar, at codon 502 of the TUB protein (p.Val502Ile). This variant is present in population databases (rs374034236, gnomAD 0.02%). This variant has not been reported in the literature in individuals affected with TUB-related conditions. ClinVar contains an entry for this variant (Variation ID: 952484). Algorithms developed to predict the effect of missense changes on protein structure and function (SIFT, PolyPhen-2, Align-GVGD) all suggest that this variant is likely to be disruptive. In summary, the available evidence is currently insufficient to determine the role of this variant in disease. Therefore, it has been classified as a Variant of Uncertain Significance.

NM_177972.3(TUB):c.1339G>A (p.Val447Ile)

Genes: RIC3 (RIC3 acetylcholine receptor chaperone; minus strand), TUB (TUB bipartite transcription factor; plus strand). Cytogenetic location: 11p15.4.
Variant type: single nucleotide variant.
Coding change: c.1339G>A on transcript NM_177972.3 (MANE Select); coding-DNA position 1339, G replaced by A.
Protein change: p.Val447Ile; replaces valine 447 with isoleucine.
Molecular consequence: missense variant.
Genome position (GRCh38, 1-based): chr11:8,100,949, G>A. VCF-style: chr11-8100949-G-A. GRCh37 (hg19) VCF-style: chr11-8122496-G-A.
Other names: c.1504G>A, p.Val502Ile (NM_003320.5); short protein forms V447I, V502I.
Identifiers: ClinVar variation 952484 (VCV000952484.11), dbSNP rs374034236, ClinGen allele CA5871469.